The following is an entry in ClinVar:

NM_015466.4(PTPN23):c.4786G>T (p.Gly1596Cys)

Gene: PTPN23 (protein tyrosine phosphatase non-receptor type 23; plus strand). Cytogenetic location: 3p21.31.
Variant type: single nucleotide variant.
Coding change: c.4786G>T on transcript NM_015466.4 (MANE Select); coding-DNA position 4786, G replaced by T.
Protein change: p.Gly1596Cys; replaces glycine 1596 with cysteine.
Molecular consequence: missense variant.
Genome position (GRCh38, 1-based): chr3:47,413,060, G>T. VCF-style: chr3-47413060-G-T. GRCh37 (hg19) VCF-style: chr3-47454550-G-T.
Other names: c.4408G>T, p.Gly1470Cys (NM_001304482.2); short protein forms G1470C, G1596C.
Identifiers: ClinVar variation 1468282 (VCV001468282.8), dbSNP rs1576236231, ClinGen allele CA352568834.

ClinVar aggregate classification (germline): Uncertain significance (1 of 4 stars; one submission).

Submission:

Labcorp Genetics (formerly Invitae), Labcorp
Classification: Uncertain significance. Last evaluated: 2023-05-22. Review status: criteria provided, single submitter. Criteria: Invitae Variant Classification Sherloc (09022015). Collection method: clinical testing. Allele origin: germline.
Comment: In summary, the available evidence is currently insufficient to determine the role of this variant in disease. Therefore, it has been classified as a Variant of Uncertain Significance. Experimental studies and prediction algorithms are not available or were not evaluated, and the functional significance of this variant is currently unknown. ClinVar contains an entry for this variant (Variation ID: 1468282). This variant has not been reported in the literature in individuals affected with PTPN23-related conditions. This variant is not present in population databases (gnomAD no frequency). This sequence change replaces glycine, which is neutral and non-polar, with cysteine, which is neutral and slightly polar, at codon 1596 of the PTPN23 protein (p.Gly1596Cys).